The following is an entry in ClinVar:

ClinVar aggregate classification (germline): Uncertain significance. Review status: criteria provided, multiple submitters, no conflicts (2 of 4 stars). 2 submissions from 2 submitters: Uncertain significance (2). Last evaluated 2025-07-17.

Allele frequency attached by ClinVar (database versions not stated): gnomAD exomes 0.00001.

Submissions (2):

GeneDx
Classification: Uncertain significance. Last evaluated: 2025-07-17. Review status: criteria provided, single submitter. Criteria: GeneDx Variant Classification Process June 2021. Collection method: clinical testing. Allele origin: germline. Affected: yes.
Comment: Not observed at significant frequency in large population cohorts (gnomAD); In silico analysis supports that this missense variant has a deleterious effect on protein structure/function; Has not been previously published as pathogenic or benign to our knowledge

CeGaT Center for Human Genetics Tuebingen
Classification: Uncertain significance. Last evaluated: 2018-06-01. Review status: criteria provided, single submitter. Criteria: CeGaT Center For Human Genetics Tuebingen Variant Classification Criteria Version 2. Collection method: clinical testing. Allele origin: germline. Affected: yes. Observed: 1 variant allele.

NM_000047.3(ARSL):c.868C>T (p.Pro290Ser)

Gene: ARSL (arylsulfatase L; minus strand). Cytogenetic location: Xp22.33.
Variant type: single nucleotide variant.
Coding change: c.868C>T on transcript NM_000047.3 (MANE Select); coding-DNA position 868, C replaced by T.
Protein change: p.Pro290Ser; replaces proline 290 with serine.
Molecular consequence: missense variant.
Genome position (GRCh38, 1-based): chrX:2,946,121, G>A on the plus strand (C>T on the coding strand, the complement: ARSL is on the minus strand). VCF-style: chrX-2946121-G-A. GRCh37 (hg19) VCF-style: chrX-2864162-G-A.
Other names: c.706C>T, p.Pro236Ser (NM_001282631.2); c.895C>T, p.Pro299Ser (NM_001369079.1); c.943C>T, p.Pro315Ser (NM_001369080.1, NM_001282628.2); c.868C>T (NM_000047.2); short protein forms P290S, P299S, P315S, P236S.
Identifiers: ClinVar variation 810493 (VCV000810493.43), dbSNP rs1438996693, ClinGen allele CA412280001.